The following is an entry in ClinVar:

NM_004006.3(DMD):c.2076A>G (p.Glu692=)

Gene: DMD (dystrophin; minus strand). Cytogenetic location: Xp21.1.
Variant type: single nucleotide variant.
Coding change: c.2076A>G on transcript NM_004006.3 (MANE Select); coding-DNA position 2076, A replaced by G.
Protein change: p.Glu692=; no amino-acid change (glutamic acid 692 retained).
Molecular consequence: synonymous variant.
Genome position (GRCh38, 1-based): chrX:32,545,251, T>C on the plus strand (A>G on the coding strand, the complement: DMD is on the minus strand). VCF-style: chrX-32545251-T-C. GRCh37 (hg19) VCF-style: chrX-32563368-T-C.
Other names: c.2052A>G, p.Glu684= (NM_000109.4); c.2064A>G, p.Glu688= (NM_004009.3); c.1707A>G, p.Glu569= (NM_004010.3).
Identifiers: ClinVar variation 455875 (VCV000455875.22), dbSNP rs764950114, ClinGen allele CA10379645.

ClinVar aggregate classification (germline): Likely benign. Review status: criteria provided, multiple submitters, no conflicts (2 of 4 stars). 6 submissions from 6 submitters: Likely benign (5). 1 of the submissions does not count toward it. Last evaluated 2025-12-01.

Conditions:
Duchenne muscular dystrophy (DMD). Also called: Duchenne Muscular Dystrophy (DMD); MUSCULAR DYSTROPHY, PSEUDOHYPERTROPHIC PROGRESSIVE, DUCHENNE TYPE. Identifiers: Orphanet 98896, MedGen C0013264, MONDO:0010679, OMIM 310200.
Becker muscular dystrophy (BMD). Also called: MUSCULAR DYSTROPHY, PSEUDOHYPERTROPHIC PROGRESSIVE, BECKER TYPE; Becker Muscular Dystrophy (BMD). Identifiers: Orphanet 98895, MedGen C0917713, MONDO:0010311, OMIM 300376.
Cardiomyopathy (CMYO). Also called: Cardiomyopathies. Identifiers: Orphanet 167848, MedGen C0878544, MONDO:0004994, HP:0001638. Inheritance: Various modes of inheritance.
Dystrophin deficiency.
Cardiovascular phenotype. Identifiers: MedGen CN230736.

Allele frequency attached by ClinVar (database versions not stated): TOPMed 0.00003; gnomAD exomes 0.00004; ExAC 0.00005.
gnomAD v4.1: 36 of 1,210,536 alleles (0.003%); highest among the groups gnomAD compares: Non-Finnish European, 0.0039%; no homozygotes.

Submissions (6):

CeGaT Center for Human Genetics Tuebingen
Classification: Likely benign. Last evaluated: 2025-12-01. Review status: criteria provided, single submitter. Criteria: CeGaT Center For Human Genetics Tuebingen Variant Classification Criteria Version 2. Collection method: clinical testing. Allele origin: germline. Affected: yes. Observed: 1 variant allele.
Comment: DMD: BP4, BP7, BS2

Labcorp Genetics (formerly Invitae), Labcorp
Classification: Likely benign for Duchenne muscular dystrophy. Last evaluated: 2025-09-04. Review status: criteria provided, single submitter. Criteria: Invitae Variant Classification Sherloc (09022015). Collection method: clinical testing. Allele origin: germline.

Ambry Genetics
Classification: Likely benign for Cardiovascular phenotype. Last evaluated: 2024-10-28. Review status: criteria provided, single submitter. Criteria: Ambry Variant Classification Scheme 2023. Collection method: clinical testing. Allele origin: germline.

Blueprint Genetics
Classification: Likely benign. Last evaluated: 2023-07-12. Review status: criteria provided, single submitter. Criteria: ACMG Guidelines, 2015. Collection method: clinical testing. Allele origin: germline.

Women's Health and Genetics/Laboratory Corporation of America, LabCorp
Classification: Likely benign. Last evaluated: 2019-10-10. Review status: criteria provided, single submitter. Criteria: LabCorp Variant Classification Summary - May 2015. Collection method: clinical testing. Allele origin: germline.

Natera, Inc.
Classification: Likely benign for Becker muscular dystrophy; Cardiomyopathy; Duchenne muscular dystrophy; Dystrophin deficiency. Last evaluated: 2018-06-29. Review status: no assertion criteria provided. Collection method: clinical testing. Allele origin: germline. Not counted in ClinVar's aggregate classification.